The following is an entry in ClinVar:

ClinVar aggregate classification (germline): Uncertain significance (1 of 4 stars; one submission).

Conditions:
Familial temporal lobe epilepsy 7. Identifiers: Orphanet 101046, MedGen C4225327, MONDO:0014639, OMIM 616436.
Norman-Roberts syndrome (LIS2). Also called: Lissencephaly 2 (Norman-Roberts type). Identifiers: Orphanet 89844, MedGen C0796089, MONDO:0009760, OMIM 257320.

gnomAD v4.1: 6 of 1,614,058 alleles (0.00037%); highest among the groups gnomAD compares: Non-Finnish European, 0.00051%; no homozygotes.

Submission:

Labcorp Genetics (formerly Invitae), Labcorp
Classification: Uncertain significance for Familial temporal lobe epilepsy 7; Norman-Roberts syndrome. Last evaluated: 2024-02-01. Review status: criteria provided, single submitter. Criteria: Invitae Variant Classification Sherloc (09022015). Collection method: clinical testing. Allele origin: germline.
Comment: This sequence change replaces valine, which is neutral and non-polar, with alanine, which is neutral and non-polar, at codon 2419 of the RELN protein (p.Val2419Ala). This variant is not present in population databases (gnomAD no frequency). This variant has not been reported in the literature in individuals affected with RELN-related conditions. ClinVar contains an entry for this variant (Variation ID: 961082). Advanced modeling of protein sequence and biophysical properties (such as structural, functional, and spatial information, amino acid conservation, physicochemical variation, residue mobility, and thermodynamic stability) performed at Invitae indicates that this missense variant is not expected to disrupt RELN protein function with a negative predictive value of 80%. In summary, the available evidence is currently insufficient to determine the role of this variant in disease. Therefore, it has been classified as a Variant of Uncertain Significance.

NM_005045.4(RELN):c.7256T>C (p.Val2419Ala)

Gene: RELN (reelin; minus strand). Cytogenetic location: 7q22.1.
Variant type: single nucleotide variant.
Coding change: c.7256T>C on transcript NM_005045.4 (MANE Select); coding-DNA position 7256, T replaced by C.
Protein change: p.Val2419Ala; replaces valine 2419 with alanine.
Molecular consequence: missense variant.
Genome position (GRCh38, 1-based): chr7:103,535,409, A>G on the plus strand (T>C on the coding strand, the complement: RELN is on the minus strand). VCF-style: chr7-103535409-A-G. GRCh37 (hg19) VCF-style: chr7-103175856-A-G.
Other names: c.7256T>C, p.Val2419Ala (NM_173054.3); short protein forms V2419A.
Identifiers: ClinVar variation 961082 (VCV000961082.9), dbSNP rs777442978, ClinGen allele CA368768789.